The following is an entry in ClinVar:

NM_001320.7(CSNK2B):c.100T>C (p.Phe34Leu)

Gene: CSNK2B (casein kinase 2 beta; plus strand). Cytogenetic location: 6p21.33.
Variant type: single nucleotide variant.
Coding change: c.100T>C on transcript NM_001320.7 (MANE Select); coding-DNA position 100, T replaced by C.
Protein change: p.Phe34Leu; replaces phenylalanine 34 with leucine.
Molecular consequence: missense variant.
Genome position (GRCh38, 1-based): chr6:31,667,895, T>C. VCF-style: chr6-31667895-T-C. GRCh37 (hg19) VCF-style: chr6-31635672-T-C.
Other names: c.100T>C, p.Phe34Leu (NM_001282385.2); c.100T>C (NM_001320.6); short protein forms F34L.
Identifiers: ClinVar variation 5016779 (VCV005016779.1).
Genomic context (GRCh38, chr6:31,667,895, plus strand): 5'-ATGGGTTCCCTCTTGGCTTCCATGTCCTGACAGGTGGATGAAGACTACATCCAGGACAAA[T>C]TTAATCTTACTGGACTCAATGAGCAGGTCCCTCACTATCGACAAGCTCTAGACATGATCT-3'
Protein context (NP_001311.3, residues 24-44): EVDEDYIQDK[Phe34Leu]NLTGLNEQVP

ClinVar aggregate classification (germline): Pathogenic (1 of 4 stars; one submission).

Submission:

GeneDx
Classification: Pathogenic. Last evaluated: 2026-03-20. Review status: criteria provided, single submitter. Criteria: GeneDx Variant Classification Process June 2021. Collection method: clinical testing. Allele origin: germline.
Comment: Not observed at significant frequency in large population cohorts (gnomAD); In silico analysis supports that this missense variant has a deleterious effect on protein structure/function; Has not been previously published as pathogenic or benign to our knowledge